The following is an entry in ClinVar:

NM_002633.3(PGM1):c.254G>A (p.Arg85His)

Gene: PGM1 (phosphoglucomutase 1; plus strand). Cytogenetic location: 1p31.3.
Variant type: single nucleotide variant.
Coding change: c.254G>A on transcript NM_002633.3 (MANE Select); coding-DNA position 254, G replaced by A.
Protein change: p.Arg85His; replaces arginine 85 with histidine.
Molecular consequence: missense variant. On other transcripts: 5 prime UTR variant (1).
Genome position (GRCh38, 1-based): chr1:63,629,432, G>A. VCF-style: chr1-63629432-G-A. GRCh37 (hg19) VCF-style: chr1-64095103-G-A.
Other names: c.308G>A, p.Arg103His (NM_001172818.1); c.-338G>A (NM_001172819.2); short protein forms R85H, R103H.
Identifiers: ClinVar variation 1426592 (VCV001426592.3), dbSNP rs200225686, ClinGen allele CA889496.

ClinVar aggregate classification (germline): Uncertain significance (1 of 4 stars; one submission).

Conditions:
PGM1-congenital disorder of glycosylation. Also called: Congenital disorder of glycosylation type 1t; PHOSPHOGLUCOMUTASE 1 DEFICIENCY; PGM1 DEFICIENCY; CDG It; GSD XIV; GLYCOGEN STORAGE DISEASE XIV. Identifiers: Orphanet 319646, MedGen C2752015, MONDO:0013968, OMIM 614921.

Allele frequency attached by ClinVar (database versions not stated): ExAC 0.00002; gnomAD 0.00002 and 0.00003; TOPMed 0.00002.
gnomAD v4.1: 54 of 1,613,126 alleles (0.0033%); highest among the groups gnomAD compares: Admixed American, 0.0083%; no homozygotes.

Submission:

Labcorp Genetics (formerly Invitae), Labcorp
Classification: Uncertain significance for PGM1-congenital disorder of glycosylation. Last evaluated: 2022-07-11. Review status: criteria provided, single submitter. Criteria: Invitae Variant Classification Sherloc (09022015). Collection method: clinical testing. Allele origin: germline.
Comment: This sequence change replaces arginine, which is basic and polar, with histidine, which is basic and polar, at codon 85 of the PGM1 protein (p.Arg85His). This variant is present in population databases (rs200225686, gnomAD 0.01%). This variant has not been reported in the literature in individuals affected with PGM1-related conditions. ClinVar contains an entry for this variant (Variation ID: 1426592). Algorithms developed to predict the effect of missense changes on protein structure and function (SIFT, PolyPhen-2, Align-GVGD) all suggest that this variant is likely to be tolerated. In summary, the available evidence is currently insufficient to determine the role of this variant in disease. Therefore, it has been classified as a Variant of Uncertain Significance.